The following is an entry in ClinVar:

NM_003128.3(SPTBN1):c.5870A>C (p.Lys1957Thr)

Gene: SPTBN1 (spectrin beta, non-erythrocytic 1; plus strand). Cytogenetic location: 2p16.2.
Variant type: single nucleotide variant.
Coding change: c.5870A>C on transcript NM_003128.3 (MANE Select); coding-DNA position 5870, A replaced by C.
Protein change: p.Lys1957Thr; replaces lysine 1957 with threonine.
Molecular consequence: missense variant.
Genome position (GRCh38, 1-based): chr2:54,655,117, A>C. VCF-style: chr2-54655117-A-C. GRCh37 (hg19) VCF-style: chr2-54882254-A-C.
Other names: c.5831A>C, p.Lys1944Thr (NM_178313.3); short protein forms K1944T, K1957T.
Identifiers: ClinVar variation 5009199 (VCV005009199.1).

ClinVar aggregate classification (germline): Uncertain significance (1 of 4 stars; one submission).

Submission:

GeneDx
Classification: Uncertain significance. Last evaluated: 2026-03-18. Review status: criteria provided, single submitter. Criteria: GeneDx Variant Classification Process June 2021. Collection method: clinical testing. Allele origin: germline.
Comment: Not observed at significant frequency in large population cohorts (gnomAD); In silico analysis supports that this missense variant has a deleterious effect on protein structure/function; Has not been previously published as pathogenic or benign to our knowledge